The following is an entry in ClinVar:

NM_024589.3(ROGDI):c.691A>G (p.Met231Val)

Gene: ROGDI (rogdi atypical leucine zipper; minus strand). Cytogenetic location: 16p13.3.
Variant type: single nucleotide variant.
Coding change: c.691A>G on transcript NM_024589.3 (MANE Select); coding-DNA position 691, A replaced by G.
Protein change: p.Met231Val; replaces methionine 231 with valine.
Molecular consequence: missense variant. On other transcripts: non-coding transcript variant (1).
Genome position (GRCh38, 1-based): chr16:4,797,942, T>C on the plus strand (A>G on the coding strand, the complement: ROGDI is on the minus strand). VCF-style: chr16-4797942-T-C. GRCh37 (hg19) VCF-style: chr16-4847943-T-C.
Other names: c.691A>G (NM_024589.1); short protein forms M231V.
Identifiers: ClinVar variation 851681 (VCV000851681.8), dbSNP rs137934107, ClinGen allele CA7882551.

ClinVar aggregate classification (germline): Uncertain significance. Review status: criteria provided, multiple submitters, no conflicts (2 of 4 stars). 4 submissions from 4 submitters: Uncertain significance (4). Last evaluated 2026-01-01.

Conditions:
Inborn genetic diseases. Identifiers: MedGen C0950123, MeSH D030342.
Amelocerebrohypohidrotic syndrome (KTZS). Also called: EPILEPSY AND YELLOW TEETH; EPILEPSY, DEMENTIA, AND AMELOGENESIS IMPERFECTA; KOHLSCHUTTER SYNDROME; Kohlschutter's syndrome. Identifiers: Orphanet 1946, MedGen C0406740, MONDO:0009185, OMIM 226750.

Allele frequency attached by ClinVar (database versions not stated): ExAC 0.00003; gnomAD exomes 0.00004; gnomAD 0.00011; TOPMed 0.00020; ESP Exome Variant Server 0.00023.
gnomAD v4.1: 43 of 1,600,196 alleles (0.0027%); highest among the groups gnomAD compares: African/African-American, 0.051%; no homozygotes.

Submissions (4):

Labcorp Genetics (formerly Invitae), Labcorp
Classification: Uncertain significance for Amelocerebrohypohidrotic syndrome. Last evaluated: 2026-01-01. Review status: criteria provided, single submitter. Criteria: Invitae Variant Classification Sherloc (09022015). Collection method: clinical testing. Allele origin: germline.
Comment: This sequence change replaces methionine, which is neutral and non-polar, with valine, which is neutral and non-polar, at codon 231 of the ROGDI protein (p.Met231Val). This variant is present in population databases (rs137934107, gnomAD 0.04%). This variant has not been reported in the literature in individuals affected with ROGDI-related conditions. ClinVar contains an entry for this variant (Variation ID: 851681). An algorithm developed to predict the effect of missense changes on protein structure and function (PolyPhen-2) suggests that this variant is likely to be tolerated. In summary, the available evidence is currently insufficient to determine the role of this variant in disease. Therefore, it has been classified as a Variant of Uncertain Significance.

Women's Health and Genetics/Laboratory Corporation of America, LabCorp
Classification: Uncertain significance. Last evaluated: 2025-06-13. Review status: criteria provided, single submitter. Criteria: LabCorp Variant Classification Summary - May 2015. Collection method: clinical testing. Allele origin: germline.
Comment: Variant summary: ROGDI c.691A>G (p.Met231Val) results in a conservative amino acid change in the encoded protein sequence. Algorithms developed to predict the effect of missense changes on protein structure and function are either unavailable or do not agree on the potential impact of this missense change. The variant allele was found at a frequency of 3.7e-05 in 243252 control chromosomes. The available data on variant occurrences in the general population are insufficient to allow any conclusion about variant significance. To our knowledge, no occurrence of c.691A>G in individuals affected with Amelocerebrohypohidrotic Syndrome and no experimental evidence demonstrating its impact on protein function have been reported. ClinVar contains an entry for this variant (Variation ID: 851681). Based on the evidence outlined above, the variant was classified as uncertain significance.

Ambry Genetics
Classification: Uncertain significance for Inborn genetic diseases. Last evaluated: 2025-04-24. Review status: criteria provided, single submitter. Criteria: Ambry Variant Classification Scheme 2023. Collection method: clinical testing. Allele origin: germline.

New York Genome Center
Classification: Uncertain significance for Amelocerebrohypohidrotic syndrome. Last evaluated: 2021-05-27. Review status: criteria provided, single submitter. Criteria: NYGC Assertion Criteria 2020. Collection method: clinical testing. Allele origin: inherited. Observed: 1 variant allele. Study: CSER-NYCKidSeq.